The following is an entry in ClinVar:

NM_000051.4(ATM):c.9101T>A (p.Leu3034Ter)

Genes: ATM (ATM serine/threonine kinase; plus strand), C11orf65 (chromosome 11 open reading frame 65; minus strand). Cytogenetic location: 11q22.3.
Variant type: single nucleotide variant.
Coding change: c.9101T>A on transcript NM_000051.4 (MANE Select); coding-DNA position 9101, T replaced by A.
Protein change: p.Leu3034Ter; replaces leucine 3034 with a stop codon.
Molecular consequence: nonsense. On other transcripts: intron variant (2).
Genome position (GRCh38, 1-based): chr11:108,365,438, T>A. VCF-style: chr11-108365438-T-A. GRCh37 (hg19) VCF-style: chr11-108236165-T-A.
Other names: c.9101T>A, p.Leu3034Ter (NM_001351834.2); c.640+20482A>T (NM_001330368.2); c.694+20482A>T (NM_001351110.2); short protein forms L3034*.
Identifiers: ClinVar variation 3966552 (VCV003966552.1).

ClinVar aggregate classification (germline): Likely pathogenic (1 of 4 stars; one submission).

Conditions:
Hereditary cancer-predisposing syndrome. Also called: Neoplastic Syndromes, Hereditary; Tumor predisposition; Hereditary Cancer Syndrome; Hereditary neoplastic syndrome. Identifiers: Orphanet 140162, MedGen C0027672, MeSH D009386, MONDO:0015356.

Submission:

Ambry Genetics
Classification: Likely pathogenic for Hereditary cancer-predisposing syndrome. Last evaluated: 2025-05-08. Review status: criteria provided, single submitter. Criteria: Ambry Variant Classification Scheme 2023. Collection method: clinical testing. Allele origin: germline.
Comment: The p.L3034* variant (also known as c.9101T>A), located in coding exon 62 of the ATM gene, results from a T to A substitution at nucleotide position 9101. This changes the amino acid from a leucine to a stop codon within coding exon 62. This alteration occurs at the 3' terminus of theATM gene, is not expected to trigger nonsense-mediated mRNA decay, and impacts the last 23 amino acids of the protein. However, premature stop codons are typically deleterious in nature and the impacted region is critical for protein function (Ambry internal data). This variant is considered to be rare based on population cohorts in the Genome Aggregation Database (gnomAD). Based on the majority of available evidence to date, this variant is likely to be pathogenic.